The following is an entry in ClinVar:

NM_177438.3(DICER1):c.2158G>T (p.Val720Phe)

Gene: DICER1 (dicer 1, ribonuclease III; minus strand). Cytogenetic location: 14q32.13.
Variant type: single nucleotide variant.
Coding change: c.2158G>T on transcript NM_177438.3 (MANE Select); coding-DNA position 2158, G replaced by T.
Protein change: p.Val720Phe; replaces valine 720 with phenylalanine.
Molecular consequence: missense variant. On other transcripts: non-coding transcript variant (6).
Genome position (GRCh38, 1-based): chr14:95,111,415, C>A on the plus strand (G>T on the coding strand, the complement: DICER1 is on the minus strand). VCF-style: chr14-95111415-C-A. GRCh37 (hg19) VCF-style: chr14-95577752-C-A.
Other names: c.2158G>T, p.Val720Phe (NM_001195573.1, NM_001271282.3, NM_001291628.2 and 13 more transcripts); c.1876G>T, p.Val626Phe (NM_001395686.1); c.1753G>T, p.Val585Phe (NM_001395687.1, NM_001395688.1, NM_001395689.1 and 3 more transcripts); c.1591G>T, p.Val531Phe (NM_001395691.1); c.475G>T, p.Val159Phe (NM_001395697.1); short protein forms V531F, V585F, V159F, V720F, V626F.
Identifiers: ClinVar variation 1994204 (VCV001994204.4), dbSNP rs2140068213, ClinGen allele CA390882794.

ClinVar aggregate classification (germline): Uncertain significance (1 of 4 stars; one submission).

Conditions:
DICER1-related tumor predisposition. Also called: DICER1 syndrome; DICER1-related pleuropulmonary blastoma cancer predisposition syndrome. Identifiers: Orphanet 284343, MedGen C3839822, MONDO:0100216.

Submission:

Labcorp Genetics (formerly Invitae), Labcorp
Classification: Uncertain significance for DICER1-related tumor predisposition. Last evaluated: 2025-11-27. Review status: criteria provided, single submitter. Criteria: Invitae Variant Classification Sherloc (09022015). Collection method: clinical testing. Allele origin: germline.
Comment: This sequence change replaces valine, which is neutral and non-polar, with phenylalanine, which is neutral and non-polar, at codon 720 of the DICER1 protein (p.Val720Phe). This variant is not present in population databases (gnomAD no frequency). This variant has not been reported in the literature in individuals affected with DICER1-related conditions. ClinVar contains an entry for this variant (Variation ID: 1994204). Invitae Evidence Modeling of protein sequence and biophysical properties (such as structural, functional, and spatial information, amino acid conservation, physicochemical variation, residue mobility, and thermodynamic stability) indicates that this missense variant is not expected to disrupt DICER1 protein function with a negative predictive value of 95%. In summary, the available evidence is currently insufficient to determine the role of this variant in disease. Therefore, it has been classified as a Variant of Uncertain Significance.